The following is an entry in ClinVar:

NM_000038.6(APC):c.647del (p.Arg216fs)

Gene: APC (APC regulator of Wnt signaling pathway; plus strand). Cytogenetic location: 5q22.2.
Variant type: Deletion.
Coding change: c.647del on transcript NM_000038.6 (MANE Select); coding-DNA position 647, one base deleted (G; older notation c.647delG).
Protein change: p.Arg216fs; shifts the reading frame from arginine 216.
Molecular consequence: frameshift variant. On other transcripts: 5 prime UTR variant (4), non-coding transcript variant (2), intron variant (5).
Genome position (GRCh38, 1-based): chr5:112,792,447, G deleted. VCF-style (leftmost placement, unchanged base first): chr5-112792446-CG-C. GRCh37 (hg19) VCF-style: chr5-112128143-CG-C.
Other names: c.647del, p.Arg216fs (NM_001127510.3, NM_001354895.2, NM_001354896.2 and 12 more transcripts); c.677del, p.Arg226fs (NM_001354897.2, NM_001354902.2, NM_001407446.1); c.572del, p.Arg191fs (NM_001354898.2, NM_001354904.2, NM_001407451.1); c.470del, p.Arg157fs (NM_001354900.2, NM_001354901.2, NM_001354905.2 and 1 more transcripts); c.-389del (NM_001354906.2, NM_001407470.1, NM_001407471.1 and 1 more transcripts); c.646-8832del (NM_001407452.1, NM_001407469.1, NM_001354899.2 and 1 more transcripts); c.676-8832del (NM_001127511.3); short protein forms R157fs, R191fs, R216fs, R226fs.
Identifiers: ClinVar variation 2584096 (VCV002584096.2), dbSNP rs2532631206, ClinGen allele CA2582341363.

ClinVar aggregate classification (germline): Pathogenic (1 of 4 stars; one submission).

Conditions:
Familial adenomatous polyposis 1 (FAP1). Also called: FAMILIAL ADENOMATOUS POLYPOSIS 1, ATTENUATED; POLYPOSIS, ADENOMATOUS INTESTINAL. Identifiers: MedGen C2713442, MONDO:0021056, OMIM 175100. Disease mechanism: loss of function.

Submission:

Myriad Genetics, Inc.
Classification: Pathogenic for Familial adenomatous polyposis 1. Last evaluated: 2023-04-27. Review status: criteria provided, single submitter. Criteria: Myriad Autosomal Dominant, Autosomal Recessive and X-Linked Classification Criteria (2023). Collection method: clinical testing. Allele origin: unknown.
Comment: This variant is considered pathogenic. This variant creates a frameshift predicted to result in premature protein truncation.